The following is an entry in ClinVar:

NM_006070.6(TFG):c.914C>G (p.Ser305Cys)

Gene: TFG (trafficking from ER to golgi regulator; plus strand). Cytogenetic location: 3q12.2.
Variant type: single nucleotide variant.
Coding change: c.914C>G on transcript NM_006070.6 (MANE Select); coding-DNA position 914, C replaced by G.
Protein change: p.Ser305Cys; replaces serine 305 with cysteine.
Molecular consequence: missense variant.
Genome position (GRCh38, 1-based): chr3:100,748,242, C>G. VCF-style: chr3-100748242-C-G. GRCh37 (hg19) VCF-style: chr3-100467086-C-G.
Other names: c.914C>G, p.Ser305Cys (NM_001007565.2, NM_001195478.2); c.902C>G, p.Ser301Cys (NM_001195479.2); short protein forms S301C, S305C.
Identifiers: ClinVar variation 3756107 (VCV003756107.2).

ClinVar aggregate classification (germline): Uncertain significance (1 of 4 stars; one submission).

Conditions:
Hereditary motor and sensory neuropathy, Okinawa type (HMSNO). Also called: HEREDITARY MOTOR AND SENSORY NEUROPATHY, PROXIMAL TYPE. Identifiers: Orphanet 90117, MedGen C1858338, MONDO:0011468, OMIM 604484.
Hereditary spastic paraplegia 57. Also called: Spastic paraplegia 57, autosomal recessive. Identifiers: Orphanet 431329, MedGen C3714897, MONDO:0014295, OMIM 615658.

gnomAD v4.1: 3 of 1,614,114 alleles (0.00019%); highest among the groups gnomAD compares: Non-Finnish European, 0.00025%; no homozygotes.

Submission:

Labcorp Genetics (formerly Invitae), Labcorp
Classification: Uncertain significance for Hereditary motor and sensory neuropathy, Okinawa type; Hereditary spastic paraplegia 57. Last evaluated: 2024-04-29. Review status: criteria provided, single submitter. Criteria: Invitae Variant Classification Sherloc (09022015). Collection method: clinical testing. Allele origin: germline.
Comment: This sequence change replaces serine, which is neutral and polar, with cysteine, which is neutral and slightly polar, at codon 305 of the TFG protein (p.Ser305Cys). This variant is not present in population databases (gnomAD no frequency). This variant has not been reported in the literature in individuals affected with TFG-related conditions. Advanced modeling of protein sequence and biophysical properties (such as structural, functional, and spatial information, amino acid conservation, physicochemical variation, residue mobility, and thermodynamic stability) performed at Invitae indicates that this missense variant is not expected to disrupt TFG protein function with a negative predictive value of 80%. In summary, the available evidence is currently insufficient to determine the role of this variant in disease. Therefore, it has been classified as a Variant of Uncertain Significance.